The following is an entry in ClinVar:

ClinVar aggregate classification (germline): Uncertain significance (1 of 4 stars; one submission).

Allele frequency attached by ClinVar (database versions not stated): TOPMed below 0.00001; ExAC 0.00002.

Submission:

Labcorp Genetics (formerly Invitae), Labcorp
Classification: Uncertain significance. Last evaluated: 2025-05-19. Review status: criteria provided, single submitter. Criteria: Invitae Variant Classification Sherloc (09022015). Collection method: clinical testing. Allele origin: germline.
Comment: This sequence change replaces serine, which is neutral and polar, with isoleucine, which is neutral and non-polar, at codon 87 of the ROM1 protein (p.Ser87Ile). This variant is present in population databases (rs764759239, gnomAD 0.01%). This variant has not been reported in the literature in individuals affected with ROM1-related conditions. ClinVar contains an entry for this variant (Variation ID: 3004734). Invitae Evidence Modeling of protein sequence and biophysical properties (such as structural, functional, and spatial information, amino acid conservation, physicochemical variation, residue mobility, and thermodynamic stability) indicates that this missense variant is not expected to disrupt ROM1 protein function with a negative predictive value of 80%. In summary, the available evidence is currently insufficient to determine the role of this variant in disease. Therefore, it has been classified as a Variant of Uncertain Significance.

NM_000327.4(ROM1):c.260G>T (p.Ser87Ile)

Gene: ROM1 (retinal outer segment membrane protein 1; plus strand). Cytogenetic location: 11q12.3.
Variant type: single nucleotide variant.
Coding change: c.260G>T on transcript NM_000327.4 (MANE Select); coding-DNA position 260, G replaced by T.
Protein change: p.Ser87Ile; replaces serine 87 with isoleucine.
Molecular consequence: missense variant.
Genome position (GRCh38, 1-based): chr11:62,613,541, G>T. VCF-style: chr11-62613541-G-T. GRCh37 (hg19) VCF-style: chr11-62381013-G-T.
Other names: short protein forms S87I.
Identifiers: ClinVar variation 3004734 (VCV003004734.3), dbSNP rs764759239, ClinGen allele CA6049683.